The following is an entry in ClinVar:

ClinVar aggregate classification (germline): Uncertain significance (1 of 4 stars; one submission).

Conditions:
Hereditary cancer-predisposing syndrome. Also called: Hereditary Cancer Syndrome; Hereditary neoplastic syndrome; Neoplastic Syndromes, Hereditary; Tumor predisposition. Identifiers: Orphanet 140162, MedGen C0027672, MeSH D009386, MONDO:0015356.

Submission:

Ambry Genetics
Classification: Uncertain significance for Hereditary cancer-predisposing syndrome. Last evaluated: 2022-02-15. Review status: criteria provided, single submitter. Criteria: Ambry Variant Classification Scheme 2023. Collection method: clinical testing. Allele origin: germline.
Comment: The p.E149D variant (also known as c.447A>T), located in coding exon 3 of the CHEK2 gene, results from an A to T substitution at nucleotide position 447. The glutamic acid at codon 149 is replaced by aspartic acid, an amino acid with highly similar properties. This amino acid position is highly conserved in available vertebrate species. In addition, the in silico prediction for this alteration is inconclusive. Since supporting evidence is limited at this time, the clinical significance of this alteration remains unclear.

NM_007194.4(CHEK2):c.447A>T (p.Glu149Asp)

Gene: CHEK2 (checkpoint kinase 2; minus strand). Cytogenetic location: 22q12.1.
Variant type: single nucleotide variant.
Coding change: c.447A>T on transcript NM_007194.4 (MANE Select); coding-DNA position 447, A replaced by T.
Protein change: p.Glu149Asp; replaces glutamic acid 149 with aspartic acid.
Molecular consequence: missense variant. On other transcripts: 5 prime UTR variant (2), intron variant (1).
Genome position (GRCh38, 1-based): chr22:28,725,122, T>A on the plus strand (A>T on the coding strand, the complement: CHEK2 is on the minus strand). VCF-style: chr22-28725122-T-A. GRCh37 (hg19) VCF-style: chr22-29121110-T-A.
Other names: c.576A>T, p.Glu192Asp (NM_001005735.3, NM_001438294.1); c.-331A>T (NM_001257387.3); c.-217A>T (NM_001437942.1); c.540A>T, p.Glu180Asp (NM_001438293.1, NM_001438295.1); c.447A>T, p.Glu149Asp (NM_145862.3); c.444+121A>T (NM_001349956.3); short protein forms E149D, E192D, E180D.
Identifiers: ClinVar variation 1740879 (VCV001740879.2), dbSNP rs2146062204, ClinGen allele CA411107766.